The following is an entry in ClinVar:

NM_014889.4(PITRM1):c.2233C>G (p.Gln745Glu)

Genes: PITRM1 (pitrilysin metallopeptidase 1; minus strand), PITRM1-AS1 (PITRM1 antisense RNA 1; plus strand). Cytogenetic location: 10p15.2.
Variant type: single nucleotide variant.
Coding change: c.2233C>G on transcript NM_014889.4 (MANE Select); coding-DNA position 2233, C replaced by G.
Protein change: p.Gln745Glu; replaces glutamine 745 with glutamic acid.
Molecular consequence: missense variant. On other transcripts: non-coding transcript variant (5).
Genome position (GRCh38, 1-based): chr10:3,147,574, G>C on the plus strand (C>G on the coding strand, the complement: PITRM1 is on the minus strand). VCF-style: chr10-3147574-G-C. GRCh37 (hg19) VCF-style: chr10-3189766-G-C.
Other names: c.2236C>G, p.Gln746Glu (NM_001242307.2); c.1939C>G, p.Gln647Glu (NM_001242309.1); c.2035C>G, p.Gln679Glu (NM_001347725.2); c.1420C>G, p.Gln474Glu (NM_001347726.2); c.1618C>G, p.Gln540Glu (NM_001347727.2); c.928C>G, p.Gln310Glu (NM_001347728.2); c.2209C>G, p.Gln737Glu (NM_001347729.1); c.2011C>G, p.Gln671Glu (NM_001347730.1); and 1 more; short protein forms Q647E, Q737E, Q679E, Q310E, Q474E, Q540E, Q671E, Q745E.
Identifiers: ClinVar variation 2044674 (VCV002044674.5), dbSNP rs368309088, ClinGen allele CA5387498.

ClinVar aggregate classification (germline): Uncertain significance. Review status: criteria provided, multiple submitters, no conflicts (2 of 4 stars). 2 submissions from 2 submitters: Uncertain significance (2). Last evaluated 2025-11-26.

Allele frequency attached by ClinVar (database versions not stated): gnomAD 0.00011; TOPMed 0.00015; ESP Exome Variant Server 0.00008; ExAC 0.00009.
gnomAD v4.1: 100 of 1,613,784 alleles (0.0062%); highest among the groups gnomAD compares: Admixed American, 0.042%; no homozygotes.

Submissions (2):

Ambry Genetics
Classification: Uncertain significance. Last evaluated: 2025-11-26. Review status: criteria provided, single submitter. Criteria: Ambry Variant Classification Scheme 2023. Collection method: clinical testing. Allele origin: germline.

Labcorp Genetics (formerly Invitae), Labcorp
Classification: Uncertain significance. Last evaluated: 2023-08-30. Review status: criteria provided, single submitter. Criteria: Invitae Variant Classification Sherloc (09022015). Collection method: clinical testing. Allele origin: germline.
Comment: This sequence change replaces glutamine, which is neutral and polar, with glutamic acid, which is acidic and polar, at codon 647 of the PITRM1 protein (p.Gln647Glu). This variant is present in population databases (rs368309088, gnomAD 0.08%). This variant has not been reported in the literature in individuals affected with PITRM1-related conditions. ClinVar contains an entry for this variant (Variation ID: 2044674). An algorithm developed to predict the effect of missense changes on protein structure and function (PolyPhen-2) suggests that this variant is likely to be disruptive. In summary, the available evidence is currently insufficient to determine the role of this variant in disease. Therefore, it has been classified as a Variant of Uncertain Significance.